The following is an entry in ClinVar:

NM_000213.5(ITGB4):c.2675G>A (p.Arg892His)

Gene: ITGB4 (integrin subunit beta 4; plus strand). Cytogenetic location: 17q25.1.
Variant type: single nucleotide variant.
Coding change: c.2675G>A on transcript NM_000213.5 (MANE Select); coding-DNA position 2675, G replaced by A.
Protein change: p.Arg892His; replaces arginine 892 with histidine.
Molecular consequence: missense variant.
Genome position (GRCh38, 1-based): chr17:75,742,382, G>A. VCF-style: chr17-75742382-G-A. GRCh37 (hg19) VCF-style: chr17-73738463-G-A.
Other names: c.2675G>A, p.Arg892His (NM_001005619.2, NM_001005731.3, NM_001321123.2); short protein forms R892H.
Identifiers: ClinVar variation 2082867 (VCV002082867.1), dbSNP rs367733997, ClinGen allele CA8769544.

ClinVar aggregate classification (germline): Uncertain significance (1 of 4 stars; one submission).

Allele frequency attached by ClinVar (database versions not stated): TOPMed 0.00003; ExAC 0.00005; gnomAD 0.00005; ESP Exome Variant Server 0.00008.
gnomAD v4.1: 133 of 1,613,362 alleles (0.0082%); highest among the groups gnomAD compares: Middle Eastern, 0.016%; no homozygotes.

Submission:

Labcorp Genetics (formerly Invitae), Labcorp
Classification: Uncertain significance. Last evaluated: 2022-09-26. Review status: criteria provided, single submitter. Criteria: Invitae Variant Classification Sherloc (09022015). Collection method: clinical testing. Allele origin: germline.
Comment: This sequence change replaces arginine, which is basic and polar, with histidine, which is basic and polar, at codon 892 of the ITGB4 protein (p.Arg892His). This variant is present in population databases (rs367733997, gnomAD 0.008%). This variant has not been reported in the literature in individuals affected with ITGB4-related conditions. Advanced modeling of protein sequence and biophysical properties (such as structural, functional, and spatial information, amino acid conservation, physicochemical variation, residue mobility, and thermodynamic stability) performed at Invitae indicates that this missense variant is not expected to disrupt ITGB4 protein function. In summary, the available evidence is currently insufficient to determine the role of this variant in disease. Therefore, it has been classified as a Variant of Uncertain Significance.